The following is an entry in ClinVar:

NM_005359.6(SMAD4):c.1308+3_1308+4insTTGATTTGCGTCAGTGTCATCGACAGATGCAGC

Gene: SMAD4 (SMAD family member 4; plus strand). Cytogenetic location: 18q21.2.
Variant type: Insertion.
Coding change: c.1308+3_1308+4insTTGATTTGCGTCAGTGTCATCGACAGATGCAGC on transcript NM_005359.6 (MANE Select); bases 3 to 4 of the intron after coding-DNA position 1308, TTGATTTGCGTCAGTGTCATCGACAGATGCAGC inserted.
Molecular consequence: intron variant.
Genome position: GRCh38: chr18:51,067,190-51,067,191. GRCh37 (hg19): chr18:48,593,560-48,593,561.
Other names: c.1308+3_1308+4insTTGATTTGCGTCAGTGTCATCGACAGATGCAGC (NM_001407042.1, NM_001407041.1).
Identifiers: ClinVar variation 3074996 (VCV003074996.2), dbSNP rs780163523, ClinGen allele CA8966034.

ClinVar aggregate classification (germline): Uncertain significance (1 of 4 stars; one submission).

Conditions:
Juvenile polyposis/hereditary hemorrhagic telangiectasia syndrome (JPHT). Also called: Juvenile Polyposis Syndrome / Hereditary Hemorrhagic Telangiectasia (JPS/HHT); JP/HHT SYNDROME; JUVENILE POLYPOSIS WITH HEREDITARY HEMORRHAGIC TELANGIECTASIA; POLYPOSIS, GENERALIZED JUVENILE, WITH PULMONARY ARTERIOVENOUS MALFORMATION; TELANGIECTASIA, HEREDITARY HEMORRHAGIC, WITH JUVENILE POLYPOSIS COLI. Identifiers: Orphanet 2929, MedGen C1832942, MONDO:0008278, OMIM 175050.

Submission:

All of Us Research Program, National Institutes of Health
Classification: Uncertain significance for Juvenile polyposis/hereditary hemorrhagic telangiectasia syndrome. Last evaluated: 2024-03-05. Review status: criteria provided, single submitter. Criteria: ACMG Guidelines, 2015. Collection method: clinical testing. Allele origin: germline. Inheritance: Autosomal dominant inheritance. Observed: 2 variant alleles, 2 heterozygotes.
Comment: This study involves interpretation of variants in research participants for the purpose of population health screening. Participant phenotype was not available at the time of variant classification. Additional details can be found in publication PMID: 35346344, PMCID: PMC8962531